The following is an entry in ClinVar:

ClinVar aggregate classification (germline): Likely benign. Review status: criteria provided, multiple submitters, no conflicts (2 of 4 stars). 2 submissions from 2 submitters: Likely benign (2). Last evaluated 2026-07-01.

Conditions:
Dilated cardiomyopathy 1G (CMD1G). Identifiers: Orphanet 154, MedGen C1858763, MONDO:0011400, OMIM 604145.
Autosomal recessive limb-girdle muscular dystrophy type 2J (LGMDR10). Also called: Limb-girdle muscular dystrophy, type 2J; MUSCULAR DYSTROPHY, LIMB-GIRDLE, AUTOSOMAL RECESSIVE 10. Identifiers: Orphanet 140922, MedGen C1837342, MONDO:0012127, OMIM 608807.

gnomAD v4.1: 3 of 1,613,788 alleles (0.00019%); highest among the groups gnomAD compares: African/African-American, 0.0027%; no homozygotes.

Submissions (2):

CeGaT Center for Human Genetics Tuebingen
Classification: Likely benign. Last evaluated: 2026-07-01. Review status: criteria provided, single submitter. Criteria: CeGaT Center For Human Genetics Tuebingen Variant Classification Criteria Version 2. Collection method: clinical testing. Allele origin: germline. Affected: yes. Observed: 1 variant allele.
Comment: TTN: BP4, BP7

Labcorp Genetics (formerly Invitae), Labcorp
Classification: Likely benign for Dilated cardiomyopathy 1G; Autosomal recessive limb-girdle muscular dystrophy type 2J. Last evaluated: 2019-10-31. Review status: criteria provided, single submitter. Criteria: Invitae Variant Classification Sherloc (09022015). Collection method: clinical testing. Allele origin: germline.

NM_001267550.2(TTN):c.98874T>C (p.Thr32958=)

Genes: TTN (titin; minus strand), TTN-AS1 (TTN antisense RNA 1; plus strand). Cytogenetic location: 2q31.2.
Variant type: single nucleotide variant.
Coding change: c.98874T>C on transcript NM_001267550.2 (MANE Select); coding-DNA position 98874, T replaced by C.
Protein change: p.Thr32958=; no amino-acid change (threonine 32958 retained).
Molecular consequence: synonymous variant. On other transcripts: non-coding transcript variant (1).
Genome position (GRCh38, 1-based): chr2:178,539,061, A>G on the plus strand (T>C on the coding strand, the complement: TTN is on the minus strand). VCF-style: chr2-178539061-A-G. GRCh37 (hg19) VCF-style: chr2-179403788-A-G.
Other names: c.93951T>C, p.Thr31317= (NM_001256850.1); c.71679T>C, p.Thr23893= (NM_003319.4); c.91170T>C, p.Thr30390= (NM_133378.4); c.72054T>C, p.Thr24018= (NM_133432.3); c.72255T>C, p.Thr24085= (NM_133437.4).
Identifiers: ClinVar variation 1146983 (VCV001146983.10), dbSNP rs2154139580, ClinGen allele CA430239892.